The following is an entry in ClinVar:

NM_004006.3(DMD):c.2302C>G (p.Arg768Gly)

Gene: DMD (dystrophin; minus strand). Cytogenetic location: Xp21.1.
Variant type: single nucleotide variant.
Coding change: c.2302C>G on transcript NM_004006.3 (MANE Select); coding-DNA position 2302, C replaced by G.
Protein change: p.Arg768Gly; replaces arginine 768 with glycine.
Molecular consequence: missense variant.
Genome position (GRCh38, 1-based): chrX:32,501,833, G>C on the plus strand (C>G on the coding strand, the complement: DMD is on the minus strand). VCF-style: chrX-32501833-G-C. GRCh37 (hg19) VCF-style: chrX-32519950-G-C.
Other names: c.2278C>G, p.Arg760Gly (NM_000109.4); c.2290C>G, p.Arg764Gly (NM_004009.3); c.1933C>G, p.Arg645Gly (NM_004010.3); short protein forms R760G, R764G, R645G, R768G.
Identifiers: ClinVar variation 2740374 (VCV002740374.4), dbSNP rs201366610, ClinGen allele CA10379560.
Genomic context (GRCh38, chrX:32,501,833, plus strand): 5'-CCAGGGCCTGAGCTGATCTGCTGGCATCTTGCAGTTTTCTGAACTTCTCAGCTTTTTCTC[G>C]CTCTATGGCCTGCAGCATGAGAGCAAAGATGAGTAATTCAATACAAGGACTGTGAATCTA-3'
Protein context (NP_003997.2, residues 758-778): DLKEKVNAIE[Arg768Gly]EKAEKFRKLQ

ClinVar aggregate classification (germline): Uncertain significance. Review status: criteria provided, multiple submitters, no conflicts (2 of 4 stars). 2 submissions from 2 submitters: Uncertain significance (2). Last evaluated 2022-12-13.

Conditions:
Duchenne muscular dystrophy (DMD). Also called: MUSCULAR DYSTROPHY, PSEUDOHYPERTROPHIC PROGRESSIVE, DUCHENNE TYPE; Duchenne Muscular Dystrophy (DMD). Identifiers: Orphanet 98896, MedGen C0013264, MONDO:0010679, OMIM 310200.

Allele frequency attached by ClinVar (database versions not stated): TOPMed below 0.00001; gnomAD 0.00001; 1000 Genomes Project 30x 0.00021; 1000 Genomes Project 0.00026.
gnomAD v4.1: 1 of 1,198,538 alleles (0.000083%); highest among the groups gnomAD compares: East Asian, 0.003%; no homozygotes.

Submissions (2):

Labcorp Genetics (formerly Invitae), Labcorp
Classification: Uncertain significance for Duchenne muscular dystrophy. Last evaluated: 2022-12-13. Review status: criteria provided, single submitter. Criteria: Invitae Variant Classification Sherloc (09022015). Collection method: clinical testing. Allele origin: germline.
Comment: In summary, the available evidence is currently insufficient to determine the role of this variant in disease. Therefore, it has been classified as a Variant of Uncertain Significance. Advanced modeling of protein sequence and biophysical properties (such as structural, functional, and spatial information, amino acid conservation, physicochemical variation, residue mobility, and thermodynamic stability) performed at Invitae indicates that this missense variant is not expected to disrupt DMD protein function. This variant has not been reported in the literature in individuals affected with DMD-related conditions. This variant is not present in population databases (gnomAD no frequency). This sequence change replaces arginine, which is basic and polar, with glycine, which is neutral and non-polar, at codon 768 of the DMD protein (p.Arg768Gly).

Blueprint Genetics
Classification: Uncertain significance. Last evaluated: 2020-12-30. Review status: criteria provided, single submitter. Criteria: ACMG Guidelines, 2015. Collection method: clinical testing. Allele origin: germline.